The following is an entry in ClinVar:

ClinVar aggregate classification (germline): Uncertain significance (1 of 4 stars; one submission).

Submission:

Labcorp Genetics (formerly Invitae), Labcorp
Classification: Uncertain significance. Last evaluated: 2019-10-12. Review status: criteria provided, single submitter. Criteria: Invitae Variant Classification Sherloc (09022015). Collection method: clinical testing. Allele origin: germline.
Comment: This variant is a gross deletion of the genomic region encompassing exons 6 to 7 of the FAM161A gene. The 5' boundary is likely confined to intron 5. The 3' end of this event is unknown as it extends through the termination codon beyond the assayed region for this gene and may encompass additional genes. While this deletion is not anticipated to result in nonsense mediated decay, it is expected to create a truncated protein product or disrupt mRNA translation. Experimental studies and prediction algorithms are not available or were not evaluated for this variant, and the functional significance of this variant is currently unknown. In summary, the available evidence is currently insufficient to determine the role of this variant in disease. Therefore, it has been classified as a Variant of Uncertain Significance.

NC_000002.12:g.(?_61826455)_(61827258_?)del

Gene: FAM161A (FAM161 centrosomal protein A; minus strand). Cytogenetic location: 2p15.
Variant type: Deletion.
Identifiers: ClinVar variation 832939 (VCV000832939.1).